The following is an entry in ClinVar:

NM_012120.3(CD2AP):c.1815G>A (p.Gly605=)

Gene: CD2AP (CD2 associated protein; plus strand). Cytogenetic location: 6p12.3.
Variant type: single nucleotide variant.
Coding change: c.1815G>A on transcript NM_012120.3 (MANE Select); coding-DNA position 1815, G replaced by A.
Protein change: p.Gly605=; no amino-acid change (glycine 605 retained).
Molecular consequence: synonymous variant.
Genome position (GRCh38, 1-based): chr6:47,612,473, G>A. VCF-style: chr6-47612473-G-A. GRCh37 (hg19) VCF-style: chr6-47580209-G-A.
Identifiers: ClinVar variation 4993983 (VCV004993983.1).
Genomic context (GRCh38, chr6:47,612,473, plus strand): 5'-CATTAGTCAAATAAATTATTTAATCGAAAGACTTAACAGTAATAAGTACTTTGTTTTTAG[G>A]AAAGAACTGGAAAAACTGCGAAAAGATTTGGAAGAAGAGAAGACAATGAGAAGTAATCTA-3'
Protein context (NP_036252.1, residues 595-615): CIVEALKKDH[Gly605=]KELEKLRKDL

ClinVar aggregate classification (germline): Likely benign (1 of 4 stars; one submission).

Conditions:
CD2AP-related disorder. Also called: CD2AP-related condition.

gnomAD v4.1: 1 of 1,589,584 alleles (0.000063%); highest among the groups gnomAD compares: Non-Finnish European, 0.000086%; no homozygotes.

Submission:

PreventionGenetics, part of Exact Sciences
Classification: Likely benign for CD2AP-related condition. Last evaluated: 2026-02-18. Review status: criteria provided, single submitter. Criteria: ACMG Guidelines, 2015. Collection method: clinical testing. Allele origin: germline.
Comment: This variant is classified as likely benign based on ACMG/AMP sequence variant interpretation guidelines (Richards et al. 2015 PMID: 25741868, with internal and published modifications).